The following is an entry in ClinVar:

NM_001005242.3(PKP2):c.-7C>G

Gene: PKP2 (plakophilin 2; minus strand). Cytogenetic location: 12p11.21.
Variant type: single nucleotide variant.
Coding change: c.-7C>G on transcript NM_001005242.3 (MANE Select); 7 bases upstream of the start codon, C replaced by G.
Molecular consequence: 5 prime UTR variant.
Genome position (GRCh38, 1-based): chr12:32,896,738, G>C on the plus strand (C>G on the coding strand, the complement: PKP2 is on the minus strand). VCF-style: chr12-32896738-G-C. GRCh37 (hg19) VCF-style: chr12-33049672-G-C.
Other names: c.-7C>G (NM_001407155.1, NM_001407156.1, NM_001407157.1 and 2 more transcripts); c.-833C>G (NM_001407158.1, NM_001407162.1); c.-597C>G (NM_001407159.1, NM_001407160.1).
Identifiers: ClinVar variation 4758435 (VCV004758435.1).

ClinVar aggregate classification (germline): Uncertain significance (1 of 4 stars; one submission).

Conditions:
Cardiomyopathy (CMYO). Also called: Cardiomyopathies. Identifiers: Orphanet 167848, MedGen C0878544, MONDO:0004994, HP:0001638. Inheritance: Various modes of inheritance.

Submission:

Color Diagnostics, LLC DBA Color Health
Classification: Uncertain significance for Cardiomyopathy. Last evaluated: 2025-09-04. Review status: criteria provided, single submitter. Criteria: ACMG Guidelines, 2015. Collection method: clinical testing. Allele origin: germline.
Comment: This variant is located in the 5' untranslated region of the PKP2 gene. To our knowledge, functional studies have not been reported for this variant. This variant has not been reported in individuals affected with PKP2-related disorders in the literature. This variant has not been identified in the general population by the Genome Aggregation Database (gnomAD). The available evidence is insufficient to determine the role of this variant in disease conclusively. Therefore, this variant is classified as a Variant of Uncertain Significance.